The following is an entry in ClinVar:

NM_203447.4(DOCK8):c.4427C>T (p.Thr1476Ile)

Gene: DOCK8 (dedicator of cytokinesis 8; plus strand). Cytogenetic location: 9p24.3.
Variant type: single nucleotide variant.
Coding change: c.4427C>T on transcript NM_203447.4 (MANE Select); coding-DNA position 4427, C replaced by T.
Protein change: p.Thr1476Ile; replaces threonine 1476 with isoleucine.
Molecular consequence: missense variant.
Genome position (GRCh38, 1-based): chr9:428,450, C>T. VCF-style: chr9-428450-C-T. GRCh37 (hg19) VCF-style: chr9-428450-C-T.
Other names: c.4127C>T, p.Thr1376Ile (NM_001190458.2); c.4223C>T, p.Thr1408Ile (NM_001193536.2); short protein forms T1376I, T1408I, T1476I.
Identifiers: ClinVar variation 1034497 (VCV001034497.9), dbSNP rs2056581205, ClinGen allele CA372766111.
Genomic context (GRCh38, chr9:428,450, plus strand): 5'-GCCTGCTGGGAGGTGTTCTGAGGGTGCTGGTGAATTCTCTGAACTGTGATCAGAGTACCA[C>T]CTACCTGACTCACTGCTTTGCAACACTCCGTGCTCTCATCGCCAAGGTAAACTTGGGATG-3'
Protein context (NP_982272.2, residues 1466-1486): VNSLNCDQST[Thr1476Ile]YLTHCFATLR

ClinVar aggregate classification (germline): Uncertain significance (1 of 4 stars; one submission).

Conditions:
Combined immunodeficiency due to DOCK8 deficiency (HIES2). Also called: HYPER-IgE SYNDROME 2, AUTOSOMAL RECESSIVE, WITH RECURRENT INFECTIONS; DOCK8 Deficiency; HIES autosomal recessive; Hyper-IgE recurrent infection syndrome, autosomal recessive; HYPER-IgE RECURRENT INFECTION SYNDROME 2, AUTOSOMAL RECESSIVE. Identifiers: Orphanet 217390, MedGen C4722305, MONDO:0009478, OMIM 243700.

Allele frequency attached by ClinVar (database versions not stated): TOPMed 0.00001.
gnomAD v4.1: 4 of 1,614,202 alleles (0.00025%); highest among the groups gnomAD compares: Non-Finnish European, 0.00034%; no homozygotes.

Submission:

Labcorp Genetics (formerly Invitae), Labcorp
Classification: Uncertain significance for Combined immunodeficiency due to DOCK8 deficiency. Last evaluated: 2020-09-16. Review status: criteria provided, single submitter. Criteria: Invitae Variant Classification Sherloc (09022015). Collection method: clinical testing. Allele origin: germline.
Comment: This variant is not present in population databases (ExAC no frequency). This sequence change replaces threonine with isoleucine at codon 1476 of the DOCK8 protein (p.Thr1476Ile). The threonine residue is highly conserved and there is a moderate physicochemical difference between threonine and isoleucine. In summary, the available evidence is currently insufficient to determine the role of this variant in disease. Therefore, it has been classified as a Variant of Uncertain Significance. Algorithms developed to predict the effect of missense changes on protein structure and function (SIFT, PolyPhen-2, Align-GVGD) all suggest that this variant is likely to be tolerated, but these predictions have not been confirmed by published functional studies and their clinical significance is uncertain. This variant has not been reported in the literature in individuals with DOCK8-related conditions.